The following is an entry in ClinVar:

NM_000059.4(BRCA2):c.2809C>T (p.Gln937Ter)

Gene: BRCA2 (BRCA2 DNA repair associated; plus strand). Cytogenetic location: 13q13.1.
Variant type: single nucleotide variant.
Coding change: c.2809C>T on transcript NM_000059.4 (MANE Select); coding-DNA position 2809, C replaced by T.
Protein change: p.Gln937Ter; replaces glutamine 937 with a stop codon.
Molecular consequence: nonsense.
Genome position (GRCh38, 1-based): chr13:32,337,164, C>T. VCF-style: chr13-32337164-C-T. GRCh37 (hg19) VCF-style: chr13-32911301-C-T.
Other names: short protein forms Q937*.
Identifiers: ClinVar variation 1072657 (VCV001072657.10), dbSNP rs2137490179, ClinGen allele CA387773764.
Genomic context (GRCh38, chr13:32,337,164, plus strand): 5'-GTAAACGAACCCATTTTCAAGAACTCTACCATGGTTTTATATGGAGACACAGGTGATAAA[C>T]AAGCAACCCAAGTGTCAATTAAAAAAGATTTGGTTTATGTTCTTGCAGAGGAGAACAAAA-3'

ClinVar aggregate classification (germline): Pathogenic. Review status: criteria provided, multiple submitters, no conflicts (2 of 4 stars). 3 submissions from 3 submitters: Pathogenic (3). Last evaluated 2025-08-27.

Conditions:
Hereditary cancer-predisposing syndrome. Also called: Neoplastic Syndromes, Hereditary; Hereditary neoplastic syndrome; Tumor predisposition; Hereditary Cancer Syndrome. Identifiers: Orphanet 140162, MedGen C0027672, MeSH D009386, MONDO:0015356.
Hereditary breast ovarian cancer syndrome. Also called: Breast and ovarian cancer; Hereditary breast and ovarian cancer syndrome (HBOC); Hereditary breast and/or ovarian cancer syndrome; Hereditary breast and ovarian cancer; Hereditary breast and ovarian cancer syndrome; BRCA1- and BRCA2-Associated Hereditary Breast and Ovarian Cancer. Identifiers: Orphanet 145, MedGen C0677776, MeSH D061325, MONDO:0003582. Disease mechanism: loss of function.
Breast-ovarian cancer, familial, susceptibility to, 2 (BROVCA2). Also called: BRCA2 Hereditary Breast and Ovarian Cancer. Identifiers: Orphanet 145, MedGen C2675520, MONDO:0012933, OMIM 612555. Disease mechanism: loss of function.

Submissions (3):

Myriad Genetics, Inc.
Classification: Pathogenic for Breast-ovarian cancer, familial, susceptibility to, 2. Last evaluated: 2025-08-27. Review status: criteria provided, single submitter. Criteria: Myriad Autosomal Dominant, Autosomal Recessive and X-Linked Classification Criteria (2023). Collection method: clinical testing. Allele origin: unknown.
Comment: This variant is considered pathogenic. This variant creates a termination codon and is predicted to result in premature protein truncation.

Labcorp Genetics (formerly Invitae), Labcorp
Classification: Pathogenic for Hereditary breast ovarian cancer syndrome. Last evaluated: 2024-04-29. Review status: criteria provided, single submitter. Criteria: Invitae Variant Classification Sherloc (09022015). Collection method: clinical testing. Allele origin: germline.
Comment: This sequence change creates a premature translational stop signal (p.Gln937*) in the BRCA2 gene. It is expected to result in an absent or disrupted protein product. Loss-of-function variants in BRCA2 are known to be pathogenic (PMID: 20104584). This variant is not present in population databases (gnomAD no frequency). This variant has not been reported in the literature in individuals affected with BRCA2-related conditions. ClinVar contains an entry for this variant (Variation ID: 1072657). For these reasons, this variant has been classified as Pathogenic.

Ambry Genetics
Classification: Pathogenic for Hereditary cancer-predisposing syndrome. Last evaluated: 2022-07-18. Review status: criteria provided, single submitter. Criteria: Ambry Variant Classification Scheme 2023. Collection method: clinical testing. Allele origin: germline.
Comment: The p.Q937* pathogenic mutation (also known as c.2809C>T), located in coding exon 10 of the BRCA2 gene, results from a C to T substitution at nucleotide position 2809. This changes the amino acid from a glutamine to a stop codon within coding exon 10. This variant is considered to be rare based on population cohorts in the Genome Aggregation Database (gnomAD). This alteration is expected to result in loss of function by premature protein truncation or nonsense-mediated mRNA decay. As such, this alteration is interpreted as a disease-causing mutation.

Literature cited by the submitters: PubMed 20104584 (cited by Labcorp Genetics (formerly Invitae), Labcorp).